The following is an entry in ClinVar:

ClinVar aggregate classification (germline): Pathogenic. Review status: criteria provided, multiple submitters, no conflicts (2 of 4 stars). 5 submissions from 5 submitters: Pathogenic (5). Last evaluated 2025-08-11.

Conditions:
Neurodevelopmental disorder with hypotonia, stereotypic hand movements, and impaired language. Also called: Intellectual disability, autosomal dominant 20. Identifiers: Orphanet 228384, Orphanet 664410, MedGen C3150700, MONDO:0013266, OMIM 613443.
MEF2C-related disorder. Also called: MEF2C-related condition; MEF2C-related disorders. Identifiers: MedGen CN381096.

Submissions (5):

Victorian Clinical Genetics Services, Murdoch Childrens Research Institute
Classification: Pathogenic for Neurodevelopmental disorder with hypotonia, stereotypic hand movements, and impaired language. Last evaluated: 2025-08-11. Review status: criteria provided, single submitter. Criteria: ACMG Guidelines, 2015. Collection method: clinical testing. Allele origin: germline. Affected: yes.
Comment: This variant is classified as Pathogenic. Evidence in support of pathogenic classification: Variant is predicted to result in a truncated protein (premature termination codon is located within the first 102 nucleotides of the coding sequence and is predicted to escape nonsense-mediated decay); Variant is absent from gnomAD (v2, v3 and v4); This variant has strong previous evidence of pathogenicity in unrelated individuals. This variant has been classified as pathogenic by multiple clinical laboratories in ClinVar and reported in the literature as de novo in individuals with neurodevelopmental disorder and clinical features of MEF2C-related conditions (PMIDs: 31785789, 36350923, 38553553, 39533303); Other predicted NMD-escape variants comparable to the one identified in this case have very strong previous evidence for pathogenicity (DECIPHER); Additional information: This variant is heterozygous; This gene is associated with autosomal dominant disease; Loss of function is a known mechanism of disease in this gene and is associated with neurodevelopmental disorder with hypotonia, stereotypic hand movements, and impaired language (MIM#613443).

Labcorp Genetics (formerly Invitae), Labcorp
Classification: Pathogenic for Neurodevelopmental disorder with hypotonia, stereotypic hand movements, and impaired language. Last evaluated: 2025-05-02. Review status: criteria provided, single submitter. Criteria: Invitae Variant Classification Sherloc (09022015). Collection method: clinical testing. Allele origin: germline.
Comment: This sequence change creates a premature translational stop signal (p.Gln18*) in the MEF2C gene. It is expected to result in an absent or disrupted protein product. Loss-of-function variants in MEF2C are known to be pathogenic (PMID: 20513142). This variant is not present in population databases (gnomAD no frequency). This premature translational stop signal has been observed in individual(s) with clinical features of MEF2C-related conditions (PMID: 30440138). ClinVar contains an entry for this variant (Variation ID: 431933). Algorithms developed to predict the effect of sequence changes on RNA splicing suggest that this variant may disrupt the consensus splice site. For these reasons, this variant has been classified as Pathogenic.

GeneDx
Classification: Pathogenic. Last evaluated: 2023-03-31. Review status: criteria provided, single submitter. Criteria: GeneDx Variant Classification Process June 2021. Collection method: clinical testing. Allele origin: germline. Affected: yes.
Comment: Nonsense variant predicted to result in protein truncation or nonsense mediated decay in a gene for which loss-of-function is a known mechanism of disease; Reported as a de novo variant in a patient with a developmental disorder who also harbored a de novo variant in the PCDHGA10 gene (Turner et al., 2019); Not observed at significant frequency in large population cohorts (gnomAD); This variant is associated with the following publications: (PMID: 30440138, 20513142, 31785789)

Blueprint Genetics
Classification: Pathogenic for MEF2C-related disorders. Last evaluated: 2020-02-18. Review status: criteria provided, single submitter. Criteria: ACMG Guidelines, 2015. Collection method: clinical testing. Allele origin: de novo. Affected: yes. Observed: 1 variant allele.

Genetic Services Laboratory, University of Chicago
Classification: Pathogenic. Last evaluated: 2018-02-22. Review status: criteria provided, single submitter. Criteria: ACMG Guidelines, 2015. Collection method: clinical testing. Allele origin: germline. Affected: yes.

Literature cited by the submitters: PubMed 38553553 (cited by Victorian Clinical Genetics Services, Murdoch Childrens Research Institute); PubMed 39533303 (cited by Victorian Clinical Genetics Services, Murdoch Childrens Research Institute); PubMed 36350923 (cited by Victorian Clinical Genetics Services, Murdoch Childrens Research Institute); PubMed 31785789 (cited by Victorian Clinical Genetics Services, Murdoch Childrens Research Institute); PubMed 20513142 (cited by Labcorp Genetics (formerly Invitae), Labcorp); PubMed 30440138 (cited by Labcorp Genetics (formerly Invitae), Labcorp).

NM_002397.5(MEF2C):c.51_54del (p.Arg17_Gln18insTer)

Gene: MEF2C (myocyte enhancer factor 2C; minus strand). Cytogenetic location: 5q14.3.
Variant type: Microsatellite.
Coding change: c.51_54del on transcript NM_002397.5 (MANE Select); coding-DNA positions 51 to 54, 4 bases deleted (ACAG; older notation c.51_54delACAG).
Protein change: p.Arg17_Gln18insTer.
Molecular consequence: frameshift variant.
Genome position (GRCh38, 1-based): chr5:88,823,735-88,823,738, CTGT deleted on the plus strand (ACAG on the coding strand, the reverse complement: MEF2C is on the minus strand); deleting any 4 consecutive bases within chr5:88,823,735-88,823,742 gives the same sequence; the c. name uses the placement nearest the transcript's 3' end. VCF-style (leftmost placement, unchanged base first): chr5-88823734-CCTGT-C. GRCh37 (hg19) VCF-style: chr5-88119551-CCTGT-C.
Other names: c.51_54delACAG (NM_002397.3); c.51_54del, p.Arg17_Gln18insTer (NM_001131005.2, NM_001193347.1, NM_001193348.1 and 29 more transcripts).
Identifiers: ClinVar variation 431933 (VCV000431933.20), dbSNP rs1554150543, ClinGen allele CA645372411.
Genomic context (GRCh38, chr5:88,823,734, plus strand): 5'-AACATATGTGGAGAAAATATAATTAATAAATAATGATACAAAAAAAGTTTACTCCACTCA[CCTGT>C]CTGTTACGTTCATCCATAATCCTCGTAATCTGAATCTTTTTTCTCCCCATAGTCCCCGTT-3'